The following is an entry in ClinVar:

NM_001369.3(DNAH5):c.3051del (p.Ile1018fs)

Genes: DNAH5-AS1 (DNAH5 antisense RNA 1; plus strand), DNAH5 (dynein axonemal heavy chain 5; minus strand). Cytogenetic location: 5p15.2.
Variant type: Deletion.
Coding change: c.3051del on transcript NM_001369.3 (MANE Select); coding-DNA position 3051, one base deleted (C; older notation c.3051delC).
Protein change: p.Ile1018fs; shifts the reading frame from isoleucine 1018.
Molecular consequence: frameshift variant.
Genome position (GRCh38, 1-based): chr5:13,883,027, G deleted on the plus strand (C on the coding strand, the reverse complement: DNAH5 is on the minus strand); the first of 2 consecutive G bases (chr5:13,883,027-13,883,028); deleting either gives the same sequence. VCF-style (leftmost placement, unchanged base first): chr5-13883026-TG-T. GRCh37 (hg19) VCF-style: chr5-13883135-TG-T.
Other names: short protein forms I1018fs.
Identifiers: ClinVar variation 1724077 (VCV001724077.2), dbSNP rs2547031379, ClinGen allele CA2580072095.

ClinVar aggregate classification (germline): Likely pathogenic (1 of 4 stars; one submission).

Conditions:
Primary ciliary dyskinesia 3. Identifiers: Orphanet 244, MedGen C1837618, MONDO:0012085, OMIM 608644.

Submission:

Myriad Genetics, Inc.
Classification: Likely pathogenic for Primary ciliary dyskinesia 3. Last evaluated: 2022-01-24. Review status: criteria provided, single submitter. Criteria: Myriad Women's Health Autosomal Recessive and X-Linked Classification Criteria (2021). Collection method: clinical testing. Allele origin: unknown.
Comment: NM_001369.2(DNAH5):c.3051delC(I1018Ffs*17) is expected to be pathogenic in the context of DNAH5-related primary ciliary dyskinesia. This variant is predicted to lead to an abnormal or absent protein product due to the creation of a premature termination codon in DNAH5, a gene where loss-of-function variants are known to be pathogenic. Please note: this variant was assessed in the context of healthy population screening.